The following is an entry in ClinVar:

NM_015631.6(TCTN3):c.736+2T>C

Gene: TCTN3 (tectonic family member 3; minus strand). Cytogenetic location: 10q24.1.
Variant type: single nucleotide variant.
Coding change: c.736+2T>C on transcript NM_015631.6 (MANE Select); the canonical splice donor site of the intron after coding-DNA position 736, T replaced by C.
Molecular consequence: splice donor variant. On other transcripts: intron variant (1).
Genome position (GRCh38, 1-based): chr10:95,687,245, A>G on the plus strand (T>C on the coding strand, the complement: TCTN3 is on the minus strand). VCF-style: chr10-95687245-A-G. GRCh37 (hg19) VCF-style: chr10-97447002-A-G.
Other names: c.500-86T>C (NM_001143973.2); c.736+2T>C (NM_001410982.1).
Identifiers: ClinVar variation 4882925 (VCV004882925.2).

ClinVar aggregate classification (germline): Likely pathogenic (1 of 4 stars; one submission).

Submission:

Dasa
Classification: Likely pathogenic. Last evaluated: 2026-03-04. Review status: criteria provided, single submitter. Criteria: DASA Assertion Criteria. Collection method: clinical testing. Allele origin: germline.
Comment: NM_015631.6(TCTN3):c.736+2T>C affects a canonical splice site and is predicted to disrupt normal RNA splicing. Loss of function is an established disease mechanism for TCTN3-associated disorders. Also, this variant is rare in population databases. Based on the currently available evidence, this variant is classified as likely pathogenic.